The following is an entry in ClinVar:

ClinVar aggregate classification (germline): Uncertain significance (1 of 4 stars; one submission).

Conditions:
RYR1-related disorder. Also called: RYR1-related condition; RYR1-related disorders. Identifiers: MedGen CN239331.

Submission:

Labcorp Genetics (formerly Invitae), Labcorp
Classification: Uncertain significance for RYR1-related disorder. Last evaluated: 2022-01-17. Review status: criteria provided, single submitter. Criteria: Invitae Variant Classification Sherloc (09022015). Collection method: clinical testing. Allele origin: germline.
Comment: Advanced modeling of protein sequence and biophysical properties (such as structural, functional, and spatial information, amino acid conservation, physicochemical variation, residue mobility, and thermodynamic stability) performed at Invitae indicates that this missense variant is not expected to disrupt RYR1 protein function. This variant has not been reported in the literature in individuals affected with RYR1-related conditions. This variant is not present in population databases (gnomAD no frequency). This sequence change replaces methionine, which is neutral and non-polar, with leucine, which is neutral and non-polar, at codon 2700 of the RYR1 protein (p.Met2700Leu). In summary, the available evidence is currently insufficient to determine the role of this variant in disease. Therefore, it has been classified as a Variant of Uncertain Significance.

NM_000540.3(RYR1):c.8098A>C (p.Met2700Leu)

Gene: RYR1 (ryanodine receptor 1; plus strand). Cytogenetic location: 19q13.2.
Variant type: single nucleotide variant.
Coding change: c.8098A>C on transcript NM_000540.3 (MANE Select); coding-DNA position 8098, A replaced by C.
Protein change: p.Met2700Leu; replaces methionine 2700 with leucine.
Molecular consequence: missense variant.
Genome position (GRCh38, 1-based): chr19:38,504,778, A>C. VCF-style: chr19-38504778-A-C. GRCh37 (hg19) VCF-style: chr19-38995418-A-C.
Other names: c.8098A>C, p.Met2700Leu (NM_001042723.2); short protein forms M2700L.
Identifiers: ClinVar variation 1446218 (VCV001446218.7), dbSNP rs1430660421, ClinGen allele CA405676550.